The following is an entry in ClinVar:

NM_058216.3(RAD51C):c.458G>A (p.Gly153Asp)

Gene: RAD51C (RAD51 paralog C; plus strand). Cytogenetic location: 17q22.
Variant type: single nucleotide variant.
Coding change: c.458G>A on transcript NM_058216.3 (MANE Select); coding-DNA position 458, G replaced by A.
Protein change: p.Gly153Asp; replaces glycine 153 with aspartic acid.
Molecular consequence: missense variant.
Genome position (GRCh38, 1-based): chr17:58,696,746, G>A. VCF-style: chr17-58696746-G-A. GRCh37 (hg19) VCF-style: chr17-56774107-G-A.
Other names: c.458G>A (LRG_314t1); short protein forms G153D.
Identifiers: ClinVar variation 185444 (VCV000185444.27), dbSNP rs765730332, ClinGen allele CA191975.

ClinVar aggregate classification (germline): Conflicting classifications of pathogenicity. Review status: criteria provided, conflicting classifications (1 of 4 stars). 11 submissions from 11 submitters: Likely pathogenic (3); Uncertain significance (6). 2 of the submissions do not count toward it. Last evaluated 2025-12-26.

Conditions:
Breast-ovarian cancer, familial, susceptibility to, 3. Also called: RAD51C-Related Breast/Ovarian Cancer. Identifiers: Orphanet 145, MedGen C3150659, MONDO:0013253, OMIM 613399.
Hereditary cancer-predisposing syndrome. Also called: Tumor predisposition; Hereditary Cancer Syndrome; Hereditary neoplastic syndrome; Neoplastic Syndromes, Hereditary. Identifiers: Orphanet 140162, MedGen C0027672, MeSH D009386, MONDO:0015356.
Hereditary breast ovarian cancer syndrome. Also called: Breast and ovarian cancer; Hereditary breast and ovarian cancer syndrome; Hereditary breast and ovarian cancer; BRCA1- and BRCA2-Associated Hereditary Breast and Ovarian Cancer; Hereditary breast and ovarian cancer syndrome (HBOC); Hereditary breast and/or ovarian cancer syndrome. Identifiers: Orphanet 145, MedGen C0677776, MeSH D061325, MONDO:0003582. Disease mechanism: loss of function.
Fanconi anemia complementation group O. Also called: RAD51C-Related Fanconi Anemia. Identifiers: Orphanet 84, MedGen C3150653, MONDO:0013248, OMIM 613390.

Allele frequency attached by ClinVar (database versions not stated): TOPMed below 0.00001; ExAC 0.00001; gnomAD exomes 0.00001.

Submissions (11):

Women's Health and Genetics/Laboratory Corporation of America, LabCorp
Classification: Likely pathogenic for Hereditary breast ovarian cancer syndrome. Last evaluated: 2025-12-26. Review status: criteria provided, single submitter. Criteria: LabCorp Variant Classification Summary - May 2015. Collection method: clinical testing. Allele origin: germline.
Comment: Variant summary: RAD51C c.458G>A (p.Gly153Asp) results in a non-conservative amino acid change in the encoded protein sequence. Algorithms developed to predict the effect of missense changes on protein structure and function all suggest that this variant is likely to be disruptive. The variant allele was found at a frequency of 8e-06 in 251462 control chromosomes (gnomAD). Publications report experimental evidence evaluating an impact on protein function, finding that the variant results in a profound reduction in HDR function (Hu_2023). The following publications have been ascertained in the context of this evaluation (PMID: 21980511, 25470109, 37253112). ClinVar contains an entry for this variant (Variation ID: 185444). Based on the evidence outlined above, the variant was classified as likely pathogenic.

Labcorp Genetics (formerly Invitae), Labcorp
Classification: Uncertain significance for Fanconi anemia complementation group O. Last evaluated: 2025-12-20. Review status: criteria provided, single submitter. Criteria: Invitae Variant Classification Sherloc (09022015). Collection method: clinical testing. Allele origin: germline.
Comment: This sequence change replaces glycine, which is neutral and non-polar, with aspartic acid, which is acidic and polar, at codon 153 of the RAD51C protein (p.Gly153Asp). This variant is present in population databases (rs765730332, gnomAD 0.003%). This missense change has been observed in individual(s) with hereditary breast and ovarian cancer (21980511. 36099300). ClinVar contains an entry for this variant (Variation ID: 185444). Invitae Evidence Modeling of protein sequence and biophysical properties (such as structural, functional, and spatial information, amino acid conservation, physicochemical variation, residue mobility, and thermodynamic stability) indicates that this missense variant is expected to disrupt RAD51C protein function with a positive predictive value of 80%. Experimental studies have shown that this missense change affects RAD51C function (PMID: 21980511, 36099300, 37253112, 39299233). In summary, the available evidence is currently insufficient to determine the role of this variant in disease. Therefore, it has been classified as a Variant of Uncertain Significance.

Color Diagnostics, LLC DBA Color Health
Classification: Uncertain significance for Hereditary cancer-predisposing syndrome. Last evaluated: 2025-01-13. Review status: criteria provided, single submitter. Criteria: ACMG Guidelines, 2015. Collection method: clinical testing. Allele origin: germline.
Comment: This missense variant replaces glycine with aspartic acid at codon 153 of the RAD51C protein. Computational prediction is inconclusive regarding the impact of this variant on protein structure and function. Functional studies in yeast systems have shown that this variant disrupted interactions with RAD51D, RAD51B, and XRCC3 and reduced homologous recombination activity (PMID: 21980511, 36099300). This variant has been reported in an individual affected with ovarian cancer and breast cancer (PMID: 21980511). This variant has been identified in 2/251462 chromosomes in the general population by the Genome Aggregation Database (gnomAD). The available evidence is insufficient to determine the role of this variant in disease conclusively. Therefore, this variant is classified as a Variant of Uncertain Significance.

Myriad Genetics, Inc.
Classification: Likely pathogenic for Breast-ovarian cancer, familial, susceptibility to, 3. Last evaluated: 2024-11-25. Review status: criteria provided, single submitter. Criteria: Myriad Autosomal Dominant, Autosomal Recessive and X-Linked Classification Criteria (2023). Collection method: clinical testing. Allele origin: unknown.
Comment: This variant is considered likely pathogenic. Functional studies indicate this variant impacts protein function [PMID: 39299233, 37253112, 36099300]. This variant is expected to disrupt protein structure [Myriad internal data].

Ambry Genetics
Classification: Uncertain significance for Hereditary cancer-predisposing syndrome. Last evaluated: 2024-11-21. Review status: criteria provided, single submitter. Criteria: Ambry Variant Classification Scheme 2023. Collection method: clinical testing. Allele origin: germline.
Comment: The p.G153D variant (also known as c.458G>A), located in coding exon 3 of the RAD51C gene, results from a G to A substitution at nucleotide position 458. The glycine at codon 153 is replaced by aspartic acid, an amino acid with similar properties. Functional analyses of this alteration showed little effect on RAD51C protein expression (immunoblot assay); however, it disrupted the interaction between RAD51C and RAD51B and XRCC3 in yeast two-hybrid assays (Clague J, PLoS ONE 2011 ; 6(9):e25632). In multiple assays testing RAD51C function, this alteration showed a abnormal read-out (Hu C et al. Cancer Res, 2023 Aug;83:2557-2571). This amino acid position is highly conserved in available vertebrate species. In addition, this alteration is predicted to be deleterious by in silico analysis. Based on the available evidence, the clinical significance of this variant remains unclear.

GeneDx
Classification: Likely pathogenic. Last evaluated: 2024-04-05. Review status: criteria provided, single submitter. Criteria: GeneDx Variant Classification Process June 2021. Collection method: clinical testing. Allele origin: germline. Affected: yes.
Comment: In silico analysis supports that this missense variant has a deleterious effect on protein structure/function; Not observed at significant frequency in large population cohorts (gnomAD); This variant is associated with the following publications: (PMID: 25470109, 36969410, 28829762, 36099300, 14704354, 37253112, 32322110, 23117857, 21980511)

Baylor Genetics
Classification: Uncertain significance for Breast-ovarian cancer, familial, susceptibility to, 3. Last evaluated: 2023-10-10. Review status: criteria provided, single submitter. Criteria: ACMG Guidelines, 2015. Collection method: clinical testing. Allele origin: unknown.

Institute of Human Genetics, University of Leipzig Medical Center
Classification: Uncertain significance for Breast-ovarian cancer, familial, susceptibility to, 3. Last evaluated: 2019-01-01. Review status: criteria provided, single submitter. Criteria: ACMG Guidelines, 2015. Collection method: clinical testing. Allele origin: unknown. Affected: yes.

PreventionGenetics, part of Exact Sciences
Classification: Uncertain significance. Last evaluated: 2017-11-15. Review status: criteria provided, single submitter. Criteria: ACMG Guidelines, 2015. Collection method: clinical testing. Allele origin: germline.

Genetic Services Laboratory, University of Chicago
Classification: Uncertain significance. Last evaluated: 2022-12-19. Review status: no assertion criteria provided. Collection method: clinical testing. Allele origin: germline. Affected: no. Not counted in ClinVar's aggregate classification.
Comment: DNA sequence analysis of the RAD51C gene demonstrated a sequence change, c.458G>A, in exon 3 that results in an amino acid change, p.Gly153Asp. This sequence change has been previously described in an individual with breast and ovarian cancer (PMID: 21980511). Functional assays showed that this variant alters the ability of RAD51C to interact with XRCC3 and RAD51B but no significant impact on RAD51C protein expression (PMID: 21980511). This sequence change has been described in the gnomAD database in two individuals which corresponds to a population frequency of 0.0008% (dbSNP rs765730332). The p.Gly153Asp change affects a highly conserved amino acid residue located in a domain of the RAD51C protein that is known to be functional. The p.Gly153Asp substitution appears to be deleterious using several in-silico pathogenicity prediction tools (SIFT, PolyPhen2, Align GVGD, REVEL). Due to insufficient evidences the clinical significance of the p.Gly153Asp change remains unknown at this time.

Leiden Open Variation Database
Classification: Pathogenic. Last evaluated: 2014-11-02. Review status: no assertion criteria provided. Collection method: curation. Allele origin: germline. Affected: yes. Not counted in ClinVar's aggregate classification.
Comment: Curator: Arleen D. Auerbach. Submitter to LOVD: Johan den Dunnen.

Literature cited by the submitters: PubMed 21980511 (cited by 5 submitters); PubMed 25470109 (cited by Women's Health and Genetics/Laboratory Corporation of America, LabCorp); PubMed 37253112 (cited by 4 submitters); PubMed 36099300 (cited by 3 submitters); PubMed 39299233 (cited by Labcorp Genetics (formerly Invitae), Labcorp and Myriad Genetics, Inc.); PubMed 23117857 (cited by Ambry Genetics).